The following is an entry in ClinVar:

ClinVar aggregate classification (germline): Benign. Review status: criteria provided, multiple submitters, no conflicts (2 of 4 stars). 2 submissions from 2 submitters: Benign (2). Last evaluated 2016-05-20.

Allele frequency attached by ClinVar (database versions not stated): ExAC 0.00373; TOPMed 0.00420; 1000 Genomes Project 0.01338; 1000 Genomes Project 30x 0.01171.
gnomAD v4.1: 2,577 of 1,448,018 alleles (0.18%); highest among the groups gnomAD compares: East Asian, 6.2%; 74 homozygotes.

Submissions (2):

GeneDx
Classification: Benign. Last evaluated: 2016-05-20. Review status: criteria provided, single submitter. Criteria: GeneDx Variant Classification (06012015). Collection method: clinical testing. Allele origin: germline. Affected: yes.
Comment: This variant is considered likely benign or benign based on one or more of the following criteria: it is a conservative change, it occurs at a poorly conserved position in the protein, it is predicted to be benign by multiple in silico algorithms, and/or has population frequency not consistent with disease.

Breakthrough Genomics
Classification: Benign. Review status: criteria provided, single submitter. Criteria: ACMG Guidelines, 2015. Collection method: not provided. Allele origin: germline. Inheritance: Autosomal recessive inheritance. Affected: yes.

NM_005984.5(SLC25A1):c.95-131C>G

Gene: SLC25A1 (solute carrier family 25 member 1; minus strand). Cytogenetic location: 22q11.21.
Variant type: single nucleotide variant.
Coding change: c.95-131C>G on transcript NM_005984.5 (MANE Select); 131 bases into the intron before coding-DNA position 95, C replaced by G.
Molecular consequence: intron variant. On other transcripts: 5 prime UTR variant (1).
Genome position (GRCh38, 1-based): chr22:19,178,371, G>C on the plus strand (C>G on the coding strand, the complement: SLC25A1 is on the minus strand). VCF-style: chr22-19178371-G-C. GRCh37 (hg19) VCF-style: chr22-19165884-G-C.
Other names: c.-16C>G (NM_001256534.2); c.-216+16C>G (NM_001287387.2).
Identifiers: ClinVar variation 382960 (VCV000382960.2), dbSNP rs2276468, ClinGen allele CA10097539.